The following is an entry in ClinVar:

ClinVar aggregate classification (germline): Likely benign (1 of 4 stars; one submission).

gnomAD v4.1: 2 of 985,332 alleles (0.0002%); highest among the groups gnomAD compares: South Asian, 0.0047%; no homozygotes.

Submission:

CeGaT Center for Human Genetics Tuebingen
Classification: Likely benign. Last evaluated: 2026-07-01. Review status: criteria provided, single submitter. Criteria: CeGaT Center For Human Genetics Tuebingen Variant Classification Criteria Version 2. Collection method: clinical testing. Allele origin: germline. Affected: yes. Observed: 1 variant allele.
Comment: MAST3: BP4, BP7

NM_001393504.1(MAST3):c.162-3490G>A

Gene: MAST3 (microtubule associated serine/threonine kinase 3; plus strand). Cytogenetic location: 19p13.11.
Variant type: single nucleotide variant.
Coding change: c.162-3490G>A on transcript NM_001393504.1 (MANE Select); 3490 bases into the intron before coding-DNA position 162, G replaced by A.
Molecular consequence: intron variant. On other transcripts: synonymous variant (6).
Genome position (GRCh38, 1-based): chr19:18,118,195, G>A. VCF-style: chr19-18118195-G-A. GRCh37 (hg19) VCF-style: chr19-18229005-G-A.
Other names: c.30G>A, p.Val10= (NM_001393506.1, NM_001393510.1, NM_001393511.1 and 3 more transcripts); c.162-3490G>A (NM_001393501.1, NM_001393502.1); c.72-3490G>A (NM_001393508.1, NM_001393516.1, NM_001393514.1 and 6 more transcripts); c.138-3490G>A (NM_001393503.1, NM_001393507.1, NM_001393505.1); c.48-3490G>A (NM_001393521.1).
Identifiers: ClinVar variation 5039465 (VCV005039465.1).
Genomic context (GRCh38, chr19:18,118,195, plus strand): 5'-GGGCGGCTGCGGCGGCACAAAGGGAAGCAGCATGTCCGACCCCAGCTACTGGACGGCGGT[G>A]GCGGCTCCCGGCCATCGGAGCCGCCTGGCAAAAGGCGCGCTGCTGCAGCGCTCCAAGAGG-3'